The following is an entry in ClinVar:

NM_176869.3(PPA2):c.299G>A (p.Arg100Gln)

Gene: PPA2 (inorganic pyrophosphatase 2; minus strand). Cytogenetic location: 4q24.
Variant type: single nucleotide variant.
Coding change: c.299G>A on transcript NM_176869.3 (MANE Select); coding-DNA position 299, G replaced by A.
Protein change: p.Arg100Gln; replaces arginine 100 with glutamine.
Molecular consequence: missense variant. On other transcripts: intron variant (2).
Genome position (GRCh38, 1-based): chr4:105,449,372, C>T on the plus strand (G>A on the coding strand, the complement: PPA2 is on the minus strand). VCF-style: chr4-105449372-C-T. GRCh37 (hg19) VCF-style: chr4-106370529-C-T.
Other names: c.299G>A, p.Arg100Gln (NM_006903.4); c.157+24522G>A (NM_176867.3); c.222+7309G>A (NM_176866.2); short protein forms R100Q.
Identifiers: ClinVar variation 1315555 (VCV001315555.9), dbSNP rs144503235, ClinGen allele CA3032609.

ClinVar aggregate classification (germline): Uncertain significance. Review status: criteria provided, multiple submitters, no conflicts (2 of 4 stars). 2 submissions from 2 submitters: Uncertain significance (2). Last evaluated 2025-12-12.

Allele frequency attached by ClinVar (database versions not stated): ExAC 0.00003; TOPMed 0.00007; gnomAD 0.00014; ESP Exome Variant Server 0.00008; gnomAD exomes 0.00001 and 0.00003; 1000 Genomes Project 30x 0.00031; 1000 Genomes Project 0.00040.
gnomAD v4.1: 37 of 1,573,798 alleles (0.0024%); highest among the groups gnomAD compares: African/African-American, 0.038%; no homozygotes.

Submissions (2):

GeneDx
Classification: Uncertain significance. Last evaluated: 2025-12-12. Review status: criteria provided, single submitter. Criteria: GeneDx Variant Classification Process June 2021. Collection method: clinical testing. Allele origin: germline. Affected: yes.
Comment: In silico analysis supports that this missense variant has a deleterious effect on protein structure/function; Has not been previously published as pathogenic or benign to our knowledge

Labcorp Genetics (formerly Invitae), Labcorp
Classification: Uncertain significance. Last evaluated: 2022-06-09. Review status: criteria provided, single submitter. Criteria: Invitae Variant Classification Sherloc (09022015). Collection method: clinical testing. Allele origin: germline.
Comment: This sequence change replaces arginine, which is basic and polar, with glutamine, which is neutral and polar, at codon 100 of the PPA2 protein (p.Arg100Gln). This variant is present in population databases (rs144503235, gnomAD 0.04%). This variant has not been reported in the literature in individuals affected with PPA2-related conditions. ClinVar contains an entry for this variant (Variation ID: 1315555). Algorithms developed to predict the effect of missense changes on protein structure and function (SIFT, PolyPhen-2, Align-GVGD) all suggest that this variant is likely to be disruptive. Algorithms developed to predict the effect of sequence changes on RNA splicing suggest that this variant may disrupt the consensus splice site. In summary, the available evidence is currently insufficient to determine the role of this variant in disease. Therefore, it has been classified as a Variant of Uncertain Significance.